The following is an entry in ClinVar:

ClinVar aggregate classification (germline): Uncertain significance (1 of 4 stars; one submission).

Submission:

Labcorp Genetics (formerly Invitae), Labcorp
Classification: Uncertain significance. Last evaluated: 2021-06-07. Review status: criteria provided, single submitter. Criteria: Invitae Variant Classification Sherloc (09022015). Collection method: clinical testing. Allele origin: germline.
Comment: In summary, the available evidence is currently insufficient to determine the role of this variant in disease. Therefore, it has been classified as a Variant of Uncertain Significance. Algorithms developed to predict the effect of missense changes on protein structure and function are either unavailable or do not agree on the potential impact of this missense change (SIFT: "Tolerated"; PolyPhen-2: "Possibly Damaging"; Align-GVGD: "Class C0"). This variant has been observed in individual(s) with clinical features of cystinuria (Invitae). It has also been observed to segregate with disease in related individuals. This variant is not present in population databases (ExAC no frequency). This sequence change replaces serine with arginine at codon 431 of the SLC7A9 protein (p.Ser431Arg). The serine residue is weakly conserved and there is a moderate physicochemical difference between serine and arginine.

NM_014270.5(SLC7A9):c.1293C>A (p.Ser431Arg)

Gene: SLC7A9 (solute carrier family 7 member 9; minus strand). Cytogenetic location: 19q13.11.
Variant type: single nucleotide variant.
Coding change: c.1293C>A on transcript NM_014270.5 (MANE Select); coding-DNA position 1293, C replaced by A.
Protein change: p.Ser431Arg; replaces serine 431 with arginine.
Molecular consequence: missense variant.
Genome position (GRCh38, 1-based): chr19:32,833,255, G>T on the plus strand (C>A on the coding strand, the complement: SLC7A9 is on the minus strand). VCF-style: chr19-32833255-G-T. GRCh37 (hg19) VCF-style: chr19-33324161-G-T.
Other names: c.1293C>A, p.Ser431Arg (NM_001126335.2, NM_001243036.2); short protein forms S431R.
Identifiers: ClinVar variation 1408495 (VCV001408495.8), dbSNP rs1599648331, ClinGen allele CA405197133.